The following is an entry in ClinVar:

ClinVar aggregate classification (germline): Uncertain significance (1 of 4 stars; one submission).

Allele frequency attached by ClinVar (database versions not stated): gnomAD 0.00001; gnomAD exomes 0.00001.
gnomAD v4.1: 10 of 1,614,024 alleles (0.00062%); highest among the groups gnomAD compares: East Asian, 0.0022%; no homozygotes.

Submission:

Labcorp Genetics (formerly Invitae), Labcorp
Classification: Uncertain significance. Last evaluated: 2022-01-18. Review status: criteria provided, single submitter. Criteria: Invitae Variant Classification Sherloc (09022015). Collection method: clinical testing. Allele origin: germline.
Comment: This sequence change replaces arginine, which is basic and polar, with histidine, which is basic and polar, at codon 2471 of the SZT2 protein (p.Arg2471His). This variant is not present in population databases (gnomAD no frequency). This variant has not been reported in the literature in individuals affected with SZT2-related conditions. Algorithms developed to predict the effect of missense changes on protein structure and function output the following: SIFT: "Deleterious"; PolyPhen-2: "Benign"; Align-GVGD: "Class C0". The histidine amino acid residue is found in multiple mammalian species, which suggests that this missense change does not adversely affect protein function. In summary, the available evidence is currently insufficient to determine the role of this variant in disease. Therefore, it has been classified as a Variant of Uncertain Significance.

NM_001365999.1(SZT2):c.7583G>A (p.Arg2528His)

Gene: SZT2 (SZT2 subunit of KICSTOR complex; plus strand). Cytogenetic location: 1p34.2.
Variant type: single nucleotide variant.
Coding change: c.7583G>A on transcript NM_001365999.1 (MANE Select); coding-DNA position 7583, G replaced by A.
Protein change: p.Arg2528His; replaces arginine 2528 with histidine.
Molecular consequence: missense variant.
Genome position (GRCh38, 1-based): chr1:43,441,575, G>A. VCF-style: chr1-43441575-G-A. GRCh37 (hg19) VCF-style: chr1-43907246-G-A.
Other names: c.7412G>A, p.Arg2471His (NM_015284.4); short protein forms R2528H, R2471H.
Identifiers: ClinVar variation 2163915 (VCV002163915.1), dbSNP rs949101175, ClinGen allele CA21646386.